The following is an entry in ClinVar:

NM_174936.4(PCSK9):c.440C>T (p.Ser147Phe)

Gene: PCSK9 (proprotein convertase subtilisin/kexin type 9; plus strand). Cytogenetic location: 1p32.3.
Variant type: single nucleotide variant.
Coding change: c.440C>T on transcript NM_174936.4 (MANE Select); coding-DNA position 440, C replaced by T.
Protein change: p.Ser147Phe; replaces serine 147 with phenylalanine.
Molecular consequence: missense variant.
Genome position (GRCh38, 1-based): chr1:55,046,563, C>T. VCF-style: chr1-55046563-C-T. GRCh37 (hg19) VCF-style: chr1-55512236-C-T.
Other names: short protein forms S147F.
Identifiers: ClinVar variation 1332338 (VCV001332338.3), dbSNP rs2100276054, ClinGen allele CA340484610.

ClinVar aggregate classification (germline): Uncertain significance (1 of 4 stars; one submission).

Conditions:
Familial hypercholesterolemia. Also called: Familial hypercholesterolaemia. Identifiers: MedGen C0020445, MONDO:0005439.

Submission:

Color Diagnostics, LLC DBA Color Health
Classification: Uncertain significance for Familial hypercholesterolemia. Last evaluated: 2024-03-06. Review status: criteria provided, single submitter. Criteria: ACMG Guidelines, 2015. Collection method: clinical testing. Allele origin: germline.
Comment: This missense variant replaces serine with phenylalanine at codon 147 of the PCSK9 protein. Computational prediction suggests that this variant may not impact protein structure and function (internally defined REVEL score threshold <= 0.5, PMID: 27666373). To our knowledge, functional studies have not been reported for this variant. This variant has not been reported in individuals affected with familial hypercholesterolemia in the literature. This variant has not been identified in the general population by the Genome Aggregation Database (gnomAD). The available evidence is insufficient to determine the role of this variant in disease conclusively. Therefore, this variant is classified as a Variant of Uncertain Significance.